The following is an entry in ClinVar:

ClinVar aggregate classification (germline): Uncertain significance (1 of 4 stars; one submission).

Conditions:
Very long chain acyl-CoA dehydrogenase deficiency (ACADVLD). Also called: Very Long-Chain Acyl-Coenzyme A Dehydrogenase Deficiency; VLCAD Deficiency. Identifiers: Orphanet 26793, MedGen C3887523, MONDO:0008723, OMIM 201475.

Allele frequency attached by ClinVar (database versions not stated): gnomAD 0.00001; TOPMed 0.00001.
gnomAD v4.1: 8 of 1,613,860 alleles (0.0005%); highest among the groups gnomAD compares: Non-Finnish European, 0.00068%; no homozygotes.

Submission:

Labcorp Genetics (formerly Invitae), Labcorp
Classification: Uncertain significance for Very long chain acyl-CoA dehydrogenase deficiency. Last evaluated: 2024-10-28. Review status: criteria provided, single submitter. Criteria: Invitae Variant Classification Sherloc (09022015). Collection method: clinical testing. Allele origin: germline.
Comment: This sequence change replaces serine, which is neutral and polar, with isoleucine, which is neutral and non-polar, at codon 590 of the ACADVL protein (p.Ser590Ile). This variant is not present in population databases (gnomAD no frequency). This variant has not been reported in the literature in individuals affected with ACADVL-related conditions. ClinVar contains an entry for this variant (Variation ID: 2159739). Invitae Evidence Modeling of protein sequence and biophysical properties (such as structural, functional, and spatial information, amino acid conservation, physicochemical variation, residue mobility, and thermodynamic stability) indicates that this missense variant is not expected to disrupt ACADVL protein function with a negative predictive value of 80%. In summary, the available evidence is currently insufficient to determine the role of this variant in disease. Therefore, it has been classified as a Variant of Uncertain Significance.

NM_000018.4(ACADVL):c.1769G>T (p.Ser590Ile)

Gene: ACADVL (acyl-CoA dehydrogenase very long chain; plus strand). Cytogenetic location: 17p13.1.
Variant type: single nucleotide variant.
Coding change: c.1769G>T on transcript NM_000018.4 (MANE Select); coding-DNA position 1769, G replaced by T.
Protein change: p.Ser590Ile; replaces serine 590 with isoleucine.
Molecular consequence: missense variant.
Genome position (GRCh38, 1-based): chr17:7,224,826, G>T. VCF-style: chr17-7224826-G-T. GRCh37 (hg19) VCF-style: chr17-7128145-G-T.
Other names: c.1703G>T, p.Ser568Ile (NM_001033859.3); c.1838G>T, p.Ser613Ile (NM_001270447.2); c.1541G>T, p.Ser514Ile (NM_001270448.2); short protein forms S514I, S568I, S590I, S613I.
Identifiers: ClinVar variation 2159739 (VCV002159739.3), dbSNP rs1368608793, ClinGen allele CA397725841.